The following is an entry in ClinVar:

NM_003002.4(SDHD):c.299C>T (p.Thr100Ile)

Gene: SDHD (succinate dehydrogenase complex subunit D; plus strand). Cytogenetic location: 11q23.1.
Variant type: single nucleotide variant.
Coding change: c.299C>T on transcript NM_003002.4 (MANE Select); coding-DNA position 299, C replaced by T.
Protein change: p.Thr100Ile; replaces threonine 100 with isoleucine.
Molecular consequence: missense variant. On other transcripts: non-coding transcript variant (1), intron variant (1).
Genome position (GRCh38, 1-based): chr11:112,088,996, C>T. VCF-style: chr11-112088996-C-T. GRCh37 (hg19) VCF-style: chr11-111959720-C-T.
Other names: c.182C>T, p.Thr61Ile (NM_001276504.2); c.299C>T, p.Thr100Ile (NM_001276506.2); c.169+1023C>T (NM_001276503.2); c.299C>T (NM_003002.3, NM_003002.2); short protein forms T100I, T61I.
Identifiers: ClinVar variation 1520608 (VCV001520608.11), dbSNP rs557454864, ClinGen allele CA228551820.

ClinVar aggregate classification (germline): Uncertain significance. Review status: criteria provided, multiple submitters, no conflicts (2 of 4 stars). 4 submissions from 4 submitters: Uncertain significance (4). Last evaluated 2025-10-07.

Conditions:
Carney-Stratakis syndrome. Also called: PARAGANGLIOMA AND GASTROINTESTINAL STROMAL TUMOR. Identifiers: Orphanet 97286, MedGen C1847319, MONDO:0011740, OMIM 606864.
Cowden syndrome 3 (CWS3). Identifiers: Orphanet 201, MedGen CN166604, MONDO:0014045.
Pheochromocytoma. Also called: MAX-Related Hereditary Paraganglioma-Pheochromocytoma Syndrome. Identifiers: Orphanet 29072, MedGen C0031511, MONDO:0008233, OMIM 171300, HP:0002666.
Paragangliomas with sensorineural hearing loss. Identifiers: MedGen C1868633.
Pheochromocytoma/paraganglioma syndrome 1. Also called: PARAGANGLIOMATA; Paragangliomas 1; Glomus tumors familial 1; Paraganglioma - glomus jugulare; SDHD-Related Hereditary Paraganglioma-Pheochromocytoma Syndrome; PARAGANGLIOMAS, FAMILIAL NONCHROMAFFIN, 1. Identifiers: Orphanet 29072, MedGen C3494181, MONDO:0008192, OMIM 168000.
Hereditary cancer-predisposing syndrome. Also called: Tumor predisposition; Hereditary Cancer Syndrome; Hereditary neoplastic syndrome; Neoplastic Syndromes, Hereditary. Identifiers: Orphanet 140162, MedGen C0027672, MeSH D009386, MONDO:0015356.
Hereditary pheochromocytoma and paraganglioma. Also called: Hereditary paragangliomas and pheochromocytomas; Hereditary Paraganglioma-Pheochromocytoma Syndromes; Hereditary pheochromocytoma-paraganglioma. Identifiers: Orphanet 29072, MedGen C4274332, MONDO:0017366.

Allele frequency attached by ClinVar (database versions not stated): TOPMed below 0.00001.

Submissions (4):

Labcorp Genetics (formerly Invitae), Labcorp
Classification: Uncertain significance for Carney-Stratakis syndrome; Paragangliomas with sensorineural hearing loss; Pheochromocytoma; Cowden syndrome 3. Last evaluated: 2025-10-07. Review status: criteria provided, single submitter. Criteria: Invitae Variant Classification Sherloc (09022015). Collection method: clinical testing. Allele origin: germline.
Comment: This sequence change replaces threonine, which is neutral and polar, with isoleucine, which is neutral and non-polar, at codon 100 of the SDHD protein (p.Thr100Ile). This variant is not present in population databases (gnomAD no frequency). This missense change has been observed in individual(s) with paraganglioma (PMID: 29777207). ClinVar contains an entry for this variant (Variation ID: 1520608). Invitae Evidence Modeling of protein sequence and biophysical properties (such as structural, functional, and spatial information, amino acid conservation, physicochemical variation, residue mobility, and thermodynamic stability) indicates that this missense variant is not expected to disrupt SDHD protein function with a negative predictive value of 80%. In summary, the available evidence is currently insufficient to determine the role of this variant in disease. Therefore, it has been classified as a Variant of Uncertain Significance.

Ambry Genetics
Classification: Uncertain significance for Hereditary cancer-predisposing syndrome. Last evaluated: 2024-12-30. Review status: criteria provided, single submitter. Criteria: Ambry Variant Classification Scheme 2023. Collection method: clinical testing. Allele origin: germline.
Comment: The p.T100I variant (also known as c.299C>T), located in coding exon 3 of the SDHD gene, results from a C to T substitution at nucleotide position 299. The threonine at codon 100 is replaced by isoleucine, an amino acid with similar properties. This amino acid position is well conserved in available vertebrate species. In addition, this alteration is predicted to be deleterious by in silico analysis. Based on the available evidence, the clinical significance of this variant remains unclear.

Molecular Pathology, Peter Maccallum Cancer Centre
Classification: Uncertain significance for Pheochromocytoma/paraganglioma syndrome 1. Last evaluated: 2024-09-19. Review status: criteria provided, single submitter. Criteria: ACMG Guidelines, 2015. Collection method: clinical testing. Allele origin: germline. Inheritance: Autosomal dominant inheritance.

All of Us Research Program, National Institutes of Health
Classification: Uncertain significance for Hereditary pheochromocytoma and paraganglioma. Last evaluated: 2023-11-30. Review status: criteria provided, single submitter. Criteria: ACMG Guidelines, 2015. Collection method: clinical testing. Allele origin: germline. Inheritance: Autosomal dominant inheritance. Observed: 2 variant alleles, 2 heterozygotes.
Comment: This study involves interpretation of variants in research participants for the purpose of population health screening. Participant phenotype was not available at the time of variant classification. Additional details can be found in publication PMID: 35346344, PMCID: PMC8962531

Literature cited by the submitters: PubMed 29777207 (cited by Labcorp Genetics (formerly Invitae), Labcorp).